The following is an entry in ClinVar:

ClinVar aggregate classification (germline): Likely benign (0 of 4 stars; one submission).

Conditions:
SORL1-related disorder. Also called: SORL1-related condition.

Allele frequency attached by ClinVar (database versions not stated): gnomAD exomes 0.00001.
gnomAD v4.1: 11 of 1,614,170 alleles (0.00068%); highest among the groups gnomAD compares: South Asian, 0.0055%; 1 homozygote.

Submission:

PreventionGenetics, part of Exact Sciences
Classification: Likely benign for SORL1-related condition. Last evaluated: 2019-12-02. Review status: no assertion criteria provided. Collection method: clinical testing. Allele origin: germline.
Comment: This variant is classified as likely benign based on ACMG/AMP sequence variant interpretation guidelines (Richards et al. 2015 PMID: 25741868, with internal and published modifications).

NM_003105.6(SORL1):c.2337C>T (p.Thr779=)

Genes: SORL1 (sortilin related receptor 1; plus strand), LOC114803469 (SORL1 eExon liver enhancer; plus strand). Cytogenetic location: 11q24.1.
Variant type: single nucleotide variant.
Coding change: c.2337C>T on transcript NM_003105.6 (MANE Select); coding-DNA position 2337, C replaced by T.
Protein change: p.Thr779=; no amino-acid change (threonine 779 retained).
Molecular consequence: synonymous variant.
Genome position (GRCh38, 1-based): chr11:121,554,007, C>T. VCF-style: chr11-121554007-C-T. GRCh37 (hg19) VCF-style: chr11-121424716-C-T.
Identifiers: ClinVar variation 3048502 (VCV003048502.2), dbSNP rs538244145, ClinGen allele CA229898163.
Genomic context (GRCh38, chr11:121,554,007, plus strand): 5'-GTTCATTCTGTATGCTGTGAGGAAATCCATCTACCGCTATGACCTGGCCTCGGGAGCCAC[C>T]GAGCAGTTGCCTCTCACCGGGCTACGGGCAGCAGTGGCCCTGGACTTTGACTATGAGCAC-3'
Protein context (NP_003096.2, residues 769-789): IYRYDLASGA[Thr779=]EQLPLTGLRA